The following is an entry in ClinVar:

ClinVar aggregate classification (germline): Likely benign. Review status: criteria provided, single submitter (1 of 4 stars). 2 submissions from 2 submitters: Likely benign (1). 1 of the submissions does not count toward it. Last evaluated 2025-03-16.

Conditions:
TTN-related disorder. Also called: TTN-related condition; TTN-related disease; TTN-related disorders.
Dilated cardiomyopathy 1G (CMD1G). Identifiers: Orphanet 154, MedGen C1858763, MONDO:0011400, OMIM 604145.
Autosomal recessive limb-girdle muscular dystrophy type 2J (LGMDR10). Also called: Limb-girdle muscular dystrophy, type 2J; MUSCULAR DYSTROPHY, LIMB-GIRDLE, AUTOSOMAL RECESSIVE 10. Identifiers: Orphanet 140922, MedGen C1837342, MONDO:0012127, OMIM 608807.

Allele frequency attached by ClinVar (database versions not stated): gnomAD 0.00001; TOPMed 0.00002.
gnomAD v4.1: 1 of 1,612,818 alleles (0.000062%); highest among the groups gnomAD compares: African/African-American, 0.0013%; no homozygotes.

Submissions (2):

Labcorp Genetics (formerly Invitae), Labcorp
Classification: Likely benign for Dilated cardiomyopathy 1G; Autosomal recessive limb-girdle muscular dystrophy type 2J. Last evaluated: 2025-03-16. Review status: criteria provided, single submitter. Criteria: Invitae Variant Classification Sherloc (09022015). Collection method: clinical testing. Allele origin: germline.

PreventionGenetics, part of Exact Sciences
Classification: Likely benign for TTN-related condition. Last evaluated: 2021-11-14. Review status: no assertion criteria provided. Collection method: clinical testing. Allele origin: germline. Not counted in ClinVar's aggregate classification.
Comment: This variant is classified as likely benign based on ACMG/AMP sequence variant interpretation guidelines (Richards et al. 2015 PMID: 25741868, with internal and published modifications).

NM_001267550.2(TTN):c.53287+10G>A

Genes: TTN-AS1 (TTN antisense RNA 1; plus strand), TTN (titin; minus strand), LOC126806425 (BRD4-independent group 4 enhancer GRCh37_chr2:179471933-179473132; plus strand). Cytogenetic location: 2q31.2.
Variant type: single nucleotide variant.
Coding change: c.53287+10G>A on transcript NM_001267550.2 (MANE Select); 10 bases into the intron after coding-DNA position 53287, G replaced by A.
Molecular consequence: intron variant.
Genome position (GRCh38, 1-based): chr2:178,607,391, C>T on the plus strand (G>A on the coding strand, the complement: TTN is on the minus strand). VCF-style: chr2-178607391-C-T. GRCh37 (hg19) VCF-style: chr2-179472118-C-T.
Other names: c.26092+10G>A (NM_003319.4); c.26668+10G>A (NM_133437.4); c.26467+10G>A (NM_133432.3); c.45583+10G>A (NM_133378.4); c.48364+10G>A (NM_001256850.1).
Identifiers: ClinVar variation 2189253 (VCV002189253.6), dbSNP rs1233085210, ClinGen allele CA538435832.
Genomic context (GRCh38, chr2:178,607,391, plus strand): 5'-GCCAAAAATCAATGTAATAAGATAGTATCACTTGGGAAAATCCTGTGAAAATCAGTGCAA[C>T]ATTCCTTACCAAAAACTTCTACCCTGGCTGCTGCAAATTTGGAACCACAGCTATTTGTAG-3'